The following is an entry in ClinVar:

ClinVar aggregate classification (germline): Uncertain significance (1 of 4 stars; one submission).

Conditions:
Inborn genetic diseases. Identifiers: MedGen C0950123, MeSH D030342.

Submission:

Ambry Genetics
Classification: Uncertain significance for Inborn genetic diseases. Last evaluated: 2025-12-17. Review status: criteria provided, single submitter. Criteria: Ambry Variant Classification Scheme 2023. Collection method: clinical testing. Allele origin: germline.
Comment: The p.I361T variant (also known as c.1082T>C), located in coding exon 10 of the DDX41 gene, results from a T to C substitution at nucleotide position 1082. The isoleucine at codon 361 is replaced by threonine, an amino acid with similar properties. This amino acid position is conserved. In addition, the in silico prediction for this alteration is inconclusive. Based on the available evidence, the clinical significance of this variant remains unclear.

NM_016222.4(DDX41):c.1082T>C (p.Ile361Thr)

Gene: DDX41 (DEAD-box helicase 41; minus strand). Cytogenetic location: 5q35.3.
Variant type: single nucleotide variant.
Coding change: c.1082T>C on transcript NM_016222.4 (MANE Select); coding-DNA position 1082, T replaced by C.
Protein change: p.Ile361Thr; replaces isoleucine 361 with threonine.
Molecular consequence: missense variant.
Genome position (GRCh38, 1-based): chr5:177,513,701, A>G on the plus strand (T>C on the coding strand, the complement: DDX41 is on the minus strand). VCF-style: chr5-177513701-A-G. GRCh37 (hg19) VCF-style: chr5-176940702-A-G.
Other names: c.704T>C, p.Ile235Thr (NM_001321732.2, NM_001321830.2); short protein forms I235T, I361T.
Identifiers: ClinVar variation 4841792 (VCV004841792.1).
Genomic context (GRCh38, chr5:177,513,701, plus strand): 5'-AGTGGGGGGCGGTGCAGGGTGCCCTGGCCGGGCGGGGGCGGCACCTTGAAGTAGGAGAAG[A>G]TGGTACGGATGTCACCCTCGAAGCCCATGTCGATCATGCGGTCAGCCTCGTCCAGGGCCA-3'
Protein context (NP_057306.2, residues 351-371): DMGFEGDIRT[Ile361Thr]FSYFKGQRQT